The following is an entry in ClinVar:

ClinVar aggregate classification (germline): Uncertain significance (1 of 4 stars; one submission).

Conditions:
Joubert syndrome. Also called: CEREBELLOPARENCHYMAL DISORDER IV; JOUBERT-BOLTSHAUSER SYNDROME; Familial aplasia of the vermis. Identifiers: Orphanet 475, MedGen C5979921, MONDO:0018772.
Meckel-Gruber syndrome. Also called: DYSENCEPHALIA SPLANCHNOCYSTICA; GRUBER SYNDROME; Dysencephalia splachnocystica. Identifiers: Orphanet 564, MedGen C0265215, MONDO:0018921.
Nephronophthisis. Also called: Juvenile Nephronophthisis. Identifiers: Orphanet 655, MedGen C0687120, MONDO:0019005, HP:0000090.

Allele frequency attached by ClinVar (database versions not stated): gnomAD exomes below 0.00001.
gnomAD v4.1: 3 of 1,604,330 alleles (0.00019%); highest among the groups gnomAD compares: Non-Finnish European, 0.00017%; no homozygotes.

Submission:

Labcorp Genetics (formerly Invitae), Labcorp
Classification: Uncertain significance for Joubert syndrome; Meckel-Gruber syndrome; Nephronophthisis. Last evaluated: 2022-07-06. Review status: criteria provided, single submitter. Criteria: Invitae Variant Classification Sherloc (09022015). Collection method: clinical testing. Allele origin: germline.
Comment: Algorithms developed to predict the effect of missense changes on protein structure and function are either unavailable or do not agree on the potential impact of this missense change (SIFT: "Tolerated"; PolyPhen-2: "Probably Damaging"; Align-GVGD: "Class C0"). This variant has not been reported in the literature in individuals affected with CEP290-related conditions. This variant is not present in population databases (gnomAD no frequency). This sequence change replaces glutamic acid, which is acidic and polar, with lysine, which is basic and polar, at codon 1935 of the CEP290 protein (p.Glu1935Lys). In summary, the available evidence is currently insufficient to determine the role of this variant in disease. Therefore, it has been classified as a Variant of Uncertain Significance.

NM_025114.4(CEP290):c.5803G>A (p.Glu1935Lys)

Gene: CEP290 (centrosomal protein 290; minus strand). Cytogenetic location: 12q21.32.
Variant type: single nucleotide variant.
Coding change: c.5803G>A on transcript NM_025114.4 (MANE Select); coding-DNA position 5803, G replaced by A.
Protein change: p.Glu1935Lys; replaces glutamic acid 1935 with lysine.
Molecular consequence: missense variant.
Genome position (GRCh38, 1-based): chr12:88,071,833, C>T on the plus strand (G>A on the coding strand, the complement: CEP290 is on the minus strand). VCF-style: chr12-88071833-C-T. GRCh37 (hg19) VCF-style: chr12-88465610-C-T.
Other names: short protein forms E1935K.
Identifiers: ClinVar variation 1962440 (VCV001962440.5), dbSNP rs886042360, ClinGen allele CA385984705.